The following is an entry in ClinVar:

NM_000166.6(GJB1):c.584T>C (p.Leu195Pro)

Gene: GJB1 (gap junction protein beta 1; plus strand). Cytogenetic location: Xq13.1.
Variant type: single nucleotide variant.
Coding change: c.584T>C on transcript NM_000166.6 (MANE Select); coding-DNA position 584, T replaced by C.
Protein change: p.Leu195Pro; replaces leucine 195 with proline.
Molecular consequence: missense variant.
Genome position (GRCh38, 1-based): chrX:71,224,291, T>C. VCF-style: chrX-71224291-T-C. GRCh37 (hg19) VCF-style: chrX-70444141-T-C.
Other names: c.584T>C, p.Leu195Pro (NM_001097642.3); short protein forms L195P.
Identifiers: ClinVar variation 577393 (VCV000577393.10), dbSNP rs1569215413, ClinGen allele CA413503233.
Genomic context (GRCh38, chrX:71,224,291, plus strand): 5'-ACACAGTGGACTGCTTCGTGTCCCGCCCCACCGAGAAAACCGTCTTCACCGTCTTCATGC[T>C]AGCTGCCTCTGGCATCTGCATCATCCTCAATGTGGCCGAGGTGGTGTACCTCATCATCCG-3'
Protein context (NP_000157.1, residues 185-205): TEKTVFTVFM[Leu195Pro]AASGICIILN

ClinVar aggregate classification (germline): Conflicting classifications of pathogenicity. Review status: criteria provided, conflicting classifications (1 of 4 stars). 2 submissions from 2 submitters: Likely pathogenic (1); Uncertain significance (1). Last evaluated 2022-09-04.

Conditions:
Charcot-Marie-Tooth Neuropathy X. Identifiers: MedGen CN118851.
Charcot-Marie-Tooth disease X-linked dominant 1. Also called: X-linked Charcot-Marie-Tooth disease type 1; GJB1 Disorders: Charcot-Marie-Tooth Neuropathy (CMT1X) and Central Nervous System Phenotypes; HEREDITARY MOTOR AND SENSORY NEUROPATHY, X-LINKED; HMSN, X-LINKED; CHARCOT-MARIE-TOOTH NEUROPATHY, X-LINKED, 1; CHARCOT-MARIE-TOOTH PERONEAL MUSCULAR ATROPHY, X-LINKED. Identifiers: Orphanet 101075, MedGen C0393808, MONDO:0010549, OMIM 302800.

Submissions (2):

Labcorp Genetics (formerly Invitae), Labcorp
Classification: Uncertain significance for Charcot-Marie-Tooth Neuropathy X. Last evaluated: 2022-09-04. Review status: criteria provided, single submitter. Criteria: Invitae Variant Classification Sherloc (09022015). Collection method: clinical testing. Allele origin: germline.
Comment: Algorithms developed to predict the effect of missense changes on protein structure and function (SIFT, PolyPhen-2, Align-GVGD) all suggest that this variant is likely to be disruptive. In summary, the available evidence is currently insufficient to determine the role of this variant in disease. Therefore, it has been classified as a Variant of Uncertain Significance. ClinVar contains an entry for this variant (Variation ID: 577393). This variant has not been reported in the literature in individuals affected with GJB1-related conditions. This variant is not present in population databases (gnomAD no frequency). This sequence change replaces leucine, which is neutral and non-polar, with proline, which is neutral and non-polar, at codon 195 of the GJB1 protein (p.Leu195Pro).

Centre for Mendelian Genomics, University Medical Centre Ljubljana
Classification: Likely pathogenic for Charcot-Marie-Tooth disease X-linked dominant 1. Last evaluated: 2016-01-01. Review status: criteria provided, single submitter. Criteria: ACMG Guidelines, 2015. Collection method: clinical testing. Allele origin: unknown. Affected: yes.
Comment: This variant was classified as: Likely pathogenic.